The following is an entry in ClinVar:

NM_001365276.2(TNXB):c.1865C>T (p.Pro622Leu)

Gene: TNXB (tenascin XB; minus strand). Cytogenetic location: 6p21.33.
Variant type: single nucleotide variant.
Coding change: c.1865C>T on transcript NM_001365276.2 (MANE Select); coding-DNA position 1865, C replaced by T.
Protein change: p.Pro622Leu; replaces proline 622 with leucine.
Molecular consequence: missense variant.
Genome position (GRCh38, 1-based): chr6:32,095,988, G>A on the plus strand (C>T on the coding strand, the complement: TNXB is on the minus strand). VCF-style: chr6-32095988-G-A. GRCh37 (hg19) VCF-style: chr6-32063765-G-A.
Other names: c.1865C>T, p.Pro622Leu (NM_001428335.1, NM_019105.8); short protein forms P622L.
Identifiers: ClinVar variation 3227246 (VCV003227246.1), dbSNP rs559096425, ClinGen allele CA3735604.

ClinVar aggregate classification (germline): Uncertain significance (1 of 4 stars; one submission).

Conditions:
Cardiovascular phenotype. Identifiers: MedGen CN230736.

Allele frequency attached by ClinVar (database versions not stated): TOPMed below 0.00001; gnomAD exomes 0.00001.
gnomAD v4.1: 10 of 1,612,872 alleles (0.00062%); highest among the groups gnomAD compares: Non-Finnish European, 0.00085%; no homozygotes.

Submission:

Ambry Genetics
Classification: Uncertain significance for Cardiovascular phenotype. Last evaluated: 2024-01-01. Review status: criteria provided, single submitter. Criteria: Ambry Variant Classification Scheme 2023. Collection method: clinical testing. Allele origin: germline.
Comment: The p.P622L variant (also known as c.1865C>T), located in coding exon 2 of the TNXB gene, results from a C to T substitution at nucleotide position 1865. The proline at codon 622 is replaced by leucine, an amino acid with similar properties. This amino acid position is conserved. In addition, this alteration is predicted to be tolerated by in silico analysis. Since supporting evidence is limited at this time, the clinical significance of this alteration remains unclear.